The following is an entry in ClinVar:

NM_001291867.2(NHS):c.2512C>T (p.Pro838Ser)

Gene: NHS (NHS actin remodeling regulator; plus strand). Cytogenetic location: Xp22.13.
Variant type: single nucleotide variant.
Coding change: c.2512C>T on transcript NM_001291867.2 (MANE Select); coding-DNA position 2512, C replaced by T.
Protein change: p.Pro838Ser; replaces proline 838 with serine.
Molecular consequence: missense variant.
Genome position (GRCh38, 1-based): chrX:17,726,618, C>T. VCF-style: chrX-17726618-C-T. GRCh37 (hg19) VCF-style: chrX-17744738-C-T.
Other names: c.1981C>T, p.Pro661Ser (NM_001136024.4); c.1918C>T, p.Pro640Ser (NM_001291868.2); c.2449C>T, p.Pro817Ser (NM_198270.4); short protein forms P640S, P661S, P817S, P838S.
Identifiers: ClinVar variation 2992493 (VCV002992493.3), dbSNP rs1459142294, ClinGen allele CA412358968.

ClinVar aggregate classification (germline): Uncertain significance (1 of 4 stars; one submission).

Conditions:
Nance-Horan syndrome (NHS). Identifiers: Orphanet 627, MedGen C0796085, MONDO:0010545, OMIM 302350.

Allele frequency attached by ClinVar (database versions not stated): gnomAD exomes below 0.00001; TOPMed 0.00002.
gnomAD v4.1: 1 of 1,211,825 alleles (0.000083%); highest among the groups gnomAD compares: Non-Finnish European, 0.00011%; no homozygotes.

Submission:

Labcorp Genetics (formerly Invitae), Labcorp
Classification: Uncertain significance for Nance-Horan syndrome. Last evaluated: 2023-04-18. Review status: criteria provided, single submitter. Criteria: Invitae Variant Classification Sherloc (09022015). Collection method: clinical testing. Allele origin: germline.
Comment: In summary, the available evidence is currently insufficient to determine the role of this variant in disease. Therefore, it has been classified as a Variant of Uncertain Significance. Advanced modeling of protein sequence and biophysical properties (such as structural, functional, and spatial information, amino acid conservation, physicochemical variation, residue mobility, and thermodynamic stability) performed at Invitae indicates that this missense variant is not expected to disrupt NHS protein function. This variant has not been reported in the literature in individuals affected with NHS-related conditions. This variant is not present in population databases (gnomAD no frequency). This sequence change replaces proline, which is neutral and non-polar, with serine, which is neutral and polar, at codon 817 of the NHS protein (p.Pro817Ser).